The following is an entry in ClinVar:

ClinVar aggregate classification (germline): Pathogenic (1 of 4 stars; one submission).

Conditions:
Microcephaly 5, primary, autosomal recessive (MCPH5). Also called: ASPM Primary Microcephaly. Identifiers: Orphanet 2512, MedGen C1837501, MONDO:0012106, OMIM 608716.

Submission:

Institute of Human Genetics, University of Goettingen
Classification: Pathogenic for Microcephaly 5, primary, autosomal recessive. Review status: criteria provided, single submitter. Criteria: ACMG Guidelines, 2015. Collection method: clinical testing. Allele origin: maternal. Inheritance: Autosomal recessive inheritance. Affected: yes.
Comment: The variant c.8720T>G (p.(Leu2907*)) in exon 18 of the ASPM gene is not found in the gnomAD database. It generates a 'Nonsense' as coding effect at position Leu2907 and thus interrupts the reading frame prematurely. ACMG criteria used for classification: PVS1, PM3_SUP, PM2_SUP.

NM_018136.5(ASPM):c.8720T>G (p.Leu2907Ter)

Gene: ASPM (assembly factor for spindle microtubules; minus strand). Cytogenetic location: 1q31.3.
Variant type: single nucleotide variant.
Coding change: c.8720T>G on transcript NM_018136.5 (MANE Select); coding-DNA position 8720, T replaced by G.
Protein change: p.Leu2907Ter; replaces leucine 2907 with a stop codon.
Molecular consequence: nonsense. On other transcripts: intron variant (1).
Genome position (GRCh38, 1-based): chr1:197,100,531, A>C on the plus strand (T>G on the coding strand, the complement: ASPM is on the minus strand). VCF-style: chr1-197100531-A-C. GRCh37 (hg19) VCF-style: chr1-197069661-A-C.
Other names: c.4066-4367T>G (NM_001206846.2); short protein forms L2907*.
Identifiers: ClinVar variation 3385334 (VCV003385334.2).